The following is an entry in ClinVar:

NM_006269.2(RP1):c.2866_2876del (p.Asp956fs)

Gene: RP1 (RP1 axonemal microtubule associated; plus strand). Cytogenetic location: 8q12.1.
Variant type: Deletion.
Coding change: c.2866_2876del on transcript NM_006269.2 (MANE Select); coding-DNA positions 2866 to 2876, 11 bases deleted (GATCCCCATAC).
Protein change: p.Asp956fs; shifts the reading frame from aspartic acid 956.
Molecular consequence: frameshift variant. On other transcripts: intron variant (1).
Genome position (GRCh38, 1-based): chr8:54,626,748-54,626,758, GATCCCCATAC deleted. VCF-style (leftmost placement, unchanged base first): chr8-54626747-TGATCCCCATAC-T. GRCh37 (hg19) VCF-style: chr8-55539307-TGATCCCCATAC-T.
Other names: c.787+4460_787+4470del (NM_001375654.1); short protein forms D956fs.
Identifiers: ClinVar variation 1451814 (VCV001451814.6), dbSNP rs2129316890, ClinGen allele CA2573143173.

ClinVar aggregate classification (germline): Pathogenic (1 of 4 stars; one submission).

Submission:

Labcorp Genetics (formerly Invitae), Labcorp
Classification: Pathogenic. Last evaluated: 2022-08-16. Review status: criteria provided, single submitter. Criteria: Invitae Variant Classification Sherloc (09022015). Collection method: clinical testing. Allele origin: germline.
Comment: For these reasons, this variant has been classified as Pathogenic. This variant disrupts the C-terminus of the RP1 protein. Many variants that disrupt this region have been reported in individuals with either autosomal dominant or autosomal recessive retinitis pigmentosa (PMID: 11527933, 19933189, 29425069, 30027431, 33681214). Therefore, variants that disrupt this region are expected to be disease-causing. ClinVar contains an entry for this variant (Variation ID: 1451814). This variant has not been observed in the literature in individuals with autosomal recessive RP1-related conditions. This variant has been reported in individual(s) with autosomal dominant retinitis pigmentosa (Invitae); however, the role of the variant in this condition is currently unclear. This variant is not present in population databases (gnomAD no frequency). This sequence change creates a premature translational stop signal (p.Asp956Lysfs*7) in the RP1 gene. While this is not anticipated to result in nonsense mediated decay, it is expected to disrupt the last 1201 amino acid(s) of the RP1 protein.

Literature cited by the submitters: PubMed 11527933; PubMed 19933189; PubMed 29425069; PubMed 30027431; PubMed 33681214.